The following is an entry in ClinVar:

NM_031443.4(CCM2):c.31-2A>G

Gene: CCM2 (CCM2 scaffold protein; plus strand). Cytogenetic location: 7p13.
Variant type: single nucleotide variant.
Coding change: c.31-2A>G on transcript NM_031443.4 (MANE Select); the canonical splice acceptor site of the intron before coding-DNA position 31, A replaced by G.
Molecular consequence: splice acceptor variant. On other transcripts: intron variant (2).
Genome position (GRCh38, 1-based): chr7:45,038,251, A>G. VCF-style: chr7-45038251-A-G. GRCh37 (hg19) VCF-style: chr7-45077850-A-G.
Other names: c.31-2A>G (NM_001363458.2, NM_001167935.2); c.31-25667A>G (NM_001363459.2, NM_001167934.2); c.94-2A>G (NM_001029835.2).
Identifiers: ClinVar variation 468335 (VCV000468335.7), dbSNP rs1554365507, ClinGen allele CA367426497.
Genomic context (GRCh38, chr7:45,038,251, plus strand): 5'-ATAGGTACAACACAAAGCATTTGTAAATAATGAACTCCAATCATTGCCGTTTCTGCCTGC[A>G]GCCTGGAATTGTCTCGCCATTTAAACGAGTATTCCTAAAAGGTGAAAAGAGTAGAGATAA-3'

ClinVar aggregate classification (germline): Likely pathogenic (1 of 4 stars; one submission).

Conditions:
Cerebral cavernous malformation 2. Also called: Familial Cerebral Cavernous Malformation 2. Identifiers: Orphanet 221061, MedGen C1864041, MONDO:0011304, OMIM 603284.

Submission:

Labcorp Genetics (formerly Invitae), Labcorp
Classification: Likely pathogenic for Cerebral cavernous malformation 2. Last evaluated: 2017-05-31. Review status: criteria provided, single submitter. Criteria: Invitae Variant Classification Sherloc (09022015). Collection method: clinical testing. Allele origin: germline.
Comment: This variant has not been reported in the literature in individuals with a CCM2-related disease. This variant is not present in population databases (ExAC no frequency). This sequence change affects an acceptor splice site in intron 1 of the CCM2 gene. It is expected to disrupt RNA splicing and likely results in an absent or disrupted protein product. In summary, the currently available evidence indicates that the variant is pathogenic, but additional data are needed to prove that conclusively. Therefore, this variant has been classified as Likely Pathogenic. Donor and acceptor splice site variants typically lead to a loss of protein function (PMID: 16199547), and loss-of-function variants in CCM2 are known to be pathogenic (PMID: 14624391, 17160895). Algorithms developed to predict the effect of sequence changes on RNA splicing suggest that this variant may disrupt the consensus splice site, but this prediction has not been confirmed by published transcriptional studies.

Literature cited by the submitters: PubMed 16199547; PubMed 14624391; PubMed 17160895.